The following is an entry in ClinVar:

NM_153460.4(IL17RC):c.737C>T (p.Pro246Leu)

Gene: IL17RC (interleukin 17 receptor C; plus strand). Cytogenetic location: 3p25.3.
Variant type: single nucleotide variant.
Coding change: c.737C>T on transcript NM_153460.4 (MANE Select); coding-DNA position 737, C replaced by T.
Protein change: p.Pro246Leu; replaces proline 246 with leucine.
Molecular consequence: missense variant. On other transcripts: non-coding transcript variant (1), intron variant (1).
Genome position (GRCh38, 1-based): chr3:9,923,995, C>T. VCF-style: chr3-9923995-C-T. GRCh37 (hg19) VCF-style: chr3-9965679-C-T.
Other names: c.737C>T, p.Pro246Leu (NM_001203263.2, NM_001203264.2); c.692C>T, p.Pro231Leu (NM_001203265.2, NM_001367280.1, NM_032732.6); c.617C>T, p.Pro206Leu (NM_001367279.1); c.950C>T, p.Pro317Leu (NM_153461.4); c.723+14C>T (NM_001367278.1); short protein forms P246L, P206L, P231L, P317L.
Identifiers: ClinVar variation 1386231 (VCV001386231.8), dbSNP rs781692172, ClinGen allele CA70015722.
Genomic context (GRCh38, chr3:9,923,995, plus strand): 5'-ATGTCTCTGAGGAGCAGCACTTCGGCCTCTCCCTGTACTGGAATCAGGTCCAGGGCCCCC[C>T]AAAACCCCGGTGGCACAAAAACCTGGTGAGGCCTCCCCCTTCCCAAGTCCATTCCCACTG-3'
Protein context (NP_703190.2, residues 236-256): SLYWNQVQGP[Pro246Leu]KPRWHKNLTG

ClinVar aggregate classification (germline): Uncertain significance (1 of 4 stars; one submission).

Conditions:
Candidiasis, familial, 9 (CANDF9). Identifiers: Orphanet 1334, MedGen C4225324, MONDO:0014642, OMIM 616445.

Submission:

Labcorp Genetics (formerly Invitae), Labcorp
Classification: Uncertain significance for Candidiasis, familial, 9. Last evaluated: 2021-04-09. Review status: criteria provided, single submitter. Criteria: Invitae Variant Classification Sherloc (09022015). Collection method: clinical testing. Allele origin: germline.
Comment: This variant has not been reported in the literature in individuals with IL17RC-related conditions. This variant is not present in population databases (ExAC no frequency). This sequence change replaces proline with leucine at codon 317 of the IL17RC protein (p.Pro317Leu). The proline residue is weakly conserved and there is a moderate physicochemical difference between proline and leucine. In summary, the available evidence is currently insufficient to determine the role of this variant in disease. Therefore, it has been classified as a Variant of Uncertain Significance. Algorithms developed to predict the effect of missense changes on protein structure and function output the following: SIFT: "Tolerated"; PolyPhen-2: "Benign"; Align-GVGD: "Class C0". The leucine amino acid residue is found in multiple mammalian species, suggesting that this missense change does not adversely affect protein function. These predictions have not been confirmed by published functional studies and their clinical significance is uncertain.